The following is an entry in ClinVar:

ClinVar aggregate classification (germline): Uncertain significance. Review status: criteria provided, multiple submitters, no conflicts (2 of 4 stars). 3 submissions from 3 submitters: Uncertain significance (3). Last evaluated 2024-05-10.

Conditions:
Inborn genetic diseases. Identifiers: MedGen C0950123, MeSH D030342.
Chédiak-Higashi syndrome (CHS). Also called: Chediak-Higashi Syndrome. Identifiers: Orphanet 167, MedGen C0007965, MONDO:0008963, OMIM 214500.

Allele frequency attached by ClinVar (database versions not stated): gnomAD exomes below 0.00001; ExAC 0.00001; gnomAD 0.00001; TOPMed 0.00001.
gnomAD v4.1: 2 of 1,582,414 alleles (0.00013%); highest among the groups gnomAD compares: Admixed American, 0.0033%; no homozygotes.

Submissions (3):

Ambry Genetics
Classification: Uncertain significance for Inborn genetic diseases. Last evaluated: 2024-05-10. Review status: criteria provided, single submitter. Criteria: Ambry Variant Classification Scheme 2023. Collection method: clinical testing. Allele origin: germline.

Center for Genomics, Ann and Robert H. Lurie Children's Hospital of Chicago
Classification: Uncertain significance for Chédiak-Higashi syndrome. Last evaluated: 2022-10-05. Review status: criteria provided, single submitter. Criteria: ACMG Guidelines, 2015. Collection method: clinical testing. Allele origin: germline.
Comment: This variant has not been reported in the literature but is present in the Genome Aggregation Database (Highest reported MAF: 0.06% [2/34592]), and in ClinVar (Variation ID: 968096). Evolutionary conservation and computational predictive tools for this variant are unclear. In summary, data on this variant is insufficient for disease classification. Therefore, the clinical significance of this variant is uncertain.

Labcorp Genetics (formerly Invitae), Labcorp
Classification: Uncertain significance for Chédiak-Higashi syndrome. Last evaluated: 2022-10-04. Review status: criteria provided, single submitter. Criteria: Invitae Variant Classification Sherloc (09022015). Collection method: clinical testing. Allele origin: germline.
Comment: This variant is present in population databases (rs750259072, gnomAD 0.006%). In summary, the available evidence is currently insufficient to determine the role of this variant in disease. Therefore, it has been classified as a Variant of Uncertain Significance. Algorithms developed to predict the effect of missense changes on protein structure and function are either unavailable or do not agree on the potential impact of this missense change (SIFT: "Deleterious"; PolyPhen-2: "Probably Damaging"; Align-GVGD: "Class C0"). This variant has not been reported in the literature in individuals affected with LYST-related conditions. This sequence change replaces tyrosine, which is neutral and polar, with histidine, which is basic and polar, at codon 3798 of the LYST protein (p.Tyr3798His).

NM_000081.4(LYST):c.11392T>C (p.Tyr3798His)

Gene: LYST (lysosomal trafficking regulator; minus strand). Cytogenetic location: 1q42.3.
Variant type: single nucleotide variant.
Coding change: c.11392T>C on transcript NM_000081.4 (MANE Select); coding-DNA position 11392, T replaced by C.
Protein change: p.Tyr3798His; replaces tyrosine 3798 with histidine.
Molecular consequence: missense variant.
Genome position (GRCh38, 1-based): chr1:235,662,954, A>G on the plus strand (T>C on the coding strand, the complement: LYST is on the minus strand). VCF-style: chr1-235662954-A-G. GRCh37 (hg19) VCF-style: chr1-235826254-A-G.
Other names: c.11392T>C (NM_000081.2); c.11392T>C, p.Tyr3798His (NM_001301365.1); short protein forms Y3798H.
Identifiers: ClinVar variation 2137839 (VCV002137839.6), dbSNP rs750259072, ClinGen allele CA1465140.
Genomic context (GRCh38, chr1:235,662,954, plus strand): 5'-TAGTTTGGAGTTAAAGTGCTTTGGAGAACGTGAAGTTCATTCGCATTCACCCGGCTGCAT[A>G]GCTGCTAAGGAAGGAATAGAACATTGGCTGTTTCAAGCGCTGCTGGTCCTTCCGACACCA-3'
Protein context (NP_000072.2, residues 3788-3801): QPMFYSFLSS[Tyr3798His]AAG